The following is an entry in ClinVar:

NM_020999.4(NEUROG3):c.367G>C (p.Glu123Gln)

Gene: NEUROG3 (neurogenin 3; minus strand). Cytogenetic location: 10q22.1.
Variant type: single nucleotide variant.
Coding change: c.367G>C on transcript NM_020999.4 (MANE Select); coding-DNA position 367, G replaced by C.
Protein change: p.Glu123Gln; replaces glutamic acid 123 with glutamine.
Molecular consequence: missense variant.
Genome position (GRCh38, 1-based): chr10:69,572,677, C>G on the plus strand (G>C on the coding strand, the complement: NEUROG3 is on the minus strand). VCF-style: chr10-69572677-C-G. GRCh37 (hg19) VCF-style: chr10-71332433-C-G.
Other names: short protein forms E123Q.
Identifiers: ClinVar variation 1417040 (VCV001417040.7), dbSNP rs140128333, ClinGen allele CA5533715.

ClinVar aggregate classification (germline): Uncertain significance (1 of 4 stars; one submission).

Allele frequency attached by ClinVar (database versions not stated): gnomAD exomes 0.00003 and 0.00004; ExAC 0.00004; ESP Exome Variant Server 0.00015; gnomAD 0.00015 and 0.00016; 1000 Genomes Project 30x 0.00016; 1000 Genomes Project 0.00020.
gnomAD v4.1: 69 of 1,614,124 alleles (0.0043%); highest among the groups gnomAD compares: Admixed American, 0.032%; no homozygotes.

Submission:

Labcorp Genetics (formerly Invitae), Labcorp
Classification: Uncertain significance. Last evaluated: 2025-05-25. Review status: criteria provided, single submitter. Criteria: Invitae Variant Classification Sherloc (09022015). Collection method: clinical testing. Allele origin: germline.
Comment: This sequence change replaces glutamic acid, which is acidic and polar, with glutamine, which is neutral and polar, at codon 123 of the NEUROG3 protein (p.Glu123Gln). This variant is present in population databases (rs140128333, gnomAD 0.01%). This variant has not been reported in the literature in individuals affected with NEUROG3-related conditions. ClinVar contains an entry for this variant (Variation ID: 1417040). An algorithm developed to predict the effect of missense changes on protein structure and function (PolyPhen-2) suggests that this variant is likely to be disruptive. In summary, the available evidence is currently insufficient to determine the role of this variant in disease. Therefore, it has been classified as a Variant of Uncertain Significance.